The following is an entry in ClinVar:

ClinVar aggregate classification (germline): Uncertain significance (1 of 4 stars; one submission).

Submission:

Labcorp Genetics (formerly Invitae), Labcorp
Classification: Uncertain significance. Last evaluated: 2021-11-23. Review status: criteria provided, single submitter. Criteria: Invitae Variant Classification Sherloc (09022015). Collection method: clinical testing. Allele origin: germline.
Comment: Algorithms developed to predict the effect of missense changes on protein structure and function are either unavailable or do not agree on the potential impact of this missense change (SIFT: "Tolerated"; PolyPhen-2: "Probably Damaging"; Align-GVGD: "Class C0"). In summary, the available evidence is currently insufficient to determine the role of this variant in disease. Therefore, it has been classified as a Variant of Uncertain Significance. This variant has not been reported in the literature in individuals affected with PPP3CA-related conditions. This variant is not present in population databases (gnomAD no frequency). This sequence change replaces leucine, which is neutral and non-polar, with histidine, which is basic and polar, at codon 139 of the PPP3CA protein (p.Leu139His).

NM_000944.5(PPP3CA):c.416T>A (p.Leu139His)

Gene: PPP3CA (protein phosphatase 3 catalytic subunit alpha; minus strand). Cytogenetic location: 4q24.
Variant type: single nucleotide variant.
Coding change: c.416T>A on transcript NM_000944.5 (MANE Select); coding-DNA position 416, T replaced by A.
Protein change: p.Leu139His; replaces leucine 139 with histidine.
Molecular consequence: missense variant.
Genome position (GRCh38, 1-based): chr4:101,099,691, A>T on the plus strand (T>A on the coding strand, the complement: PPP3CA is on the minus strand). VCF-style: chr4-101099691-A-T. GRCh37 (hg19) VCF-style: chr4-102020848-A-T.
Other names: c.416T>A, p.Leu139His (NM_001130691.2, NM_001130692.2); short protein forms L139H.
Identifiers: ClinVar variation 1353114 (VCV001353114.6), dbSNP rs2110254802, ClinGen allele CA357950314.